The following is an entry in ClinVar:

NM_005219.5(DIAPH1):c.1838dup (p.Pro614fs)

Gene: DIAPH1 (diaphanous related formin 1; minus strand). Cytogenetic location: 5q31.3.
Variant type: Duplication.
Coding change: c.1838dup on transcript NM_005219.5 (MANE Select); coding-DNA position 1838, one base duplicated (C; older notation c.1838dupC).
Protein change: p.Pro614fs; shifts the reading frame from proline 614.
Molecular consequence: frameshift variant.
Genome position (GRCh38, 1-based): chr5:141,574,012, G duplicated on the plus strand (C on the coding strand, the reverse complement: DIAPH1 is on the minus strand); the first of 2 consecutive G bases (chr5:141,574,012-141,574,013); duplicating either gives the same sequence. VCF-style (leftmost placement, unchanged base first): chr5-141574011-A-AG. GRCh37 (hg19) VCF-style: chr5-140953578-A-AG.
Other names: c.1811dup, p.Pro605fs (NM_001079812.3); c.1838dup, p.Pro614fs (NM_001314007.2); short protein forms P605fs, P614fs.
Identifiers: ClinVar variation 1065108 (VCV001065108.3), dbSNP rs2154596304, ClinGen allele CA2499217699.

ClinVar aggregate classification (germline): Likely pathogenic (1 of 4 stars; one submission).

Conditions:
Pendred syndrome (PDS). Also called: Pendred's syndrome; Pendred Syndrome (PDS); DEAFNESS WITH GOITER; GOITER-DEAFNESS SYNDROME; HYPOTHYROIDISM, CONGENITAL, DUE TO DYSHORMONOGENESIS, 2B; THYROID DYSHORMONOGENESIS 2B. Identifiers: Orphanet 705, MedGen C0271829, MONDO:0010134, OMIM 274600.

Submission:

Department of Otolaryngology – Head & Neck Surgery, Cochlear Implant Center
Classification: Likely pathogenic for Pendred syndrome. Last evaluated: 2021-04-12. Review status: criteria provided, single submitter. Criteria: ClinGen HL ACMG Specifications v1. Collection method: clinical testing. Allele origin: germline. Affected: yes.
Comment: PVS1_Strong, PM2_Moderate